The following is an entry in ClinVar:

NM_021830.5(TWNK):c.267G>T (p.Gln89His)

Gene: TWNK (twinkle mtDNA helicase; plus strand). Cytogenetic location: 10q24.31.
Variant type: single nucleotide variant.
Coding change: c.267G>T on transcript NM_021830.5 (MANE Select); coding-DNA position 267, G replaced by T.
Protein change: p.Gln89His; replaces glutamine 89 with histidine.
Molecular consequence: missense variant. On other transcripts: non-coding transcript variant (4), intron variant (3).
Genome position (GRCh38, 1-based): chr10:100,988,477, G>T. VCF-style: chr10-100988477-G-T. GRCh37 (hg19) VCF-style: chr10-102748234-G-T.
Other names: c.267G>T (NM_021830.4); c.267G>T, p.Gln89His (NM_001163812.2); c.-120+864G>T (NM_001163814.2, NM_001163813.2); c.-58+864G>T (NM_001368275.1); short protein forms Q89H.
Identifiers: ClinVar variation 1345445 (VCV001345445.7), dbSNP rs2133935074, ClinGen allele CA378206565.
Genomic context (GRCh38, chr10:100,988,477, plus strand): 5'-CCCCTTCCAGGATGGTCACAGTTGCCTGCGGGCACTGAGCCCCTTTGCAGAGTCTTCACA[G>T]CTCAAAGGCCAGACTGGTGTTACCACTTCCTTCAGCCTCTTCATTGACAAGACCACAGGC-3'
Protein context (NP_068602.2, residues 79-99): RALSPFAESS[Gln89His]LKGQTGVTTS

ClinVar aggregate classification (germline): Uncertain significance. Review status: criteria provided, multiple submitters, no conflicts (2 of 4 stars). 2 submissions from 2 submitters: Uncertain significance (2). Last evaluated 2025-05-02.

Conditions:
TWNK-related disorder. Also called: TWNK-related condition.

Submissions (2):

PreventionGenetics, part of Exact Sciences
Classification: Uncertain significance for TWNK-related condition. Last evaluated: 2025-05-02. Review status: criteria provided, single submitter. Criteria: ACMG Guidelines, 2015. Collection method: clinical testing. Allele origin: germline.
Comment: The TWNK c.267G>T variant is predicted to result in the amino acid substitution p.Gln89His. To our knowledge, this variant has not been reported in the literature or in a large population database (gnomAD), indicating this variant is rare. At this time, the clinical significance of this variant is uncertain due to the absence of conclusive functional and genetic evidence.

Labcorp Genetics (formerly Invitae), Labcorp
Classification: Uncertain significance. Last evaluated: 2022-04-08. Review status: criteria provided, single submitter. Criteria: Invitae Variant Classification Sherloc (09022015). Collection method: clinical testing. Allele origin: germline.
Comment: In summary, the available evidence is currently insufficient to determine the role of this variant in disease. Therefore, it has been classified as a Variant of Uncertain Significance. Advanced modeling of protein sequence and biophysical properties (such as structural, functional, and spatial information, amino acid conservation, physicochemical variation, residue mobility, and thermodynamic stability) performed at Invitae indicates that this missense variant is not expected to disrupt TWNK protein function. This variant has not been reported in the literature in individuals affected with TWNK-related conditions. This variant is not present in population databases (gnomAD no frequency). This sequence change replaces glutamine, which is neutral and polar, with histidine, which is basic and polar, at codon 89 of the TWNK protein (p.Gln89His).